The following is an entry in ClinVar:

ClinVar aggregate classification (germline): Pathogenic (1 of 4 stars; one submission).

Submission:

Labcorp Genetics (formerly Invitae), Labcorp
Classification: Pathogenic. Last evaluated: 2020-11-18. Review status: criteria provided, single submitter. Criteria: Invitae Variant Classification Sherloc (09022015). Collection method: clinical testing. Allele origin: germline.
Comment: For these reasons, this variant has been classified as Pathogenic. This variant has been observed in individual(s) with hypophosphatemia (Invitae). This variant is not present in population databases (ExAC no frequency). This sequence change creates a premature translational stop signal (p.Gly579*) in the PHEX gene. It is expected to result in an absent or disrupted protein product. Loss-of-function variants in PHEX are known to be pathogenic (PMID: 9097956, 9106524, 19219621).

Literature cited by the submitters: PubMed 9097956; PubMed 9106524; PubMed 19219621.

NM_000444.6(PHEX):c.1735G>T (p.Gly579Ter)

Genes: PHEX (phosphate regulating endopeptidase X-linked; plus strand), PTCHD1-AS (PTCHD1 and PHEX antisense RNA; minus strand). Cytogenetic location: Xp22.11.
Variant type: single nucleotide variant.
Coding change: c.1735G>T on transcript NM_000444.6 (MANE Select); coding-DNA position 1735, G replaced by T.
Protein change: p.Gly579Ter; replaces glycine 579 with a stop codon.
Molecular consequence: nonsense.
Genome position (GRCh38, 1-based): chrX:22,219,070, G>T. VCF-style: chrX-22219070-G-T. GRCh37 (hg19) VCF-style: chrX-22237187-G-T.
Other names: c.1735G>T, p.Gly579Ter (NM_001282754.2); short protein forms G579*.
Identifiers: ClinVar variation 1436163 (VCV001436163.8), dbSNP rs875989883, ClinGen allele CA412575783.